The following is an entry in ClinVar:

NM_152564.5(VPS13B):c.5624T>A (p.Leu1875His)

Gene: VPS13B (vacuolar protein sorting 13 homolog B; plus strand). Cytogenetic location: 8q22.2.
Variant type: single nucleotide variant.
Coding change: c.5624T>A on transcript NM_152564.5 (MANE Select); coding-DNA position 5624, T replaced by A.
Protein change: p.Leu1875His; replaces leucine 1875 with histidine.
Molecular consequence: missense variant.
Genome position (GRCh38, 1-based): chr8:99,642,214, T>A. VCF-style: chr8-99642214-T-A. GRCh37 (hg19) VCF-style: chr8-100654442-T-A.
Other names: c.5699T>A, p.Leu1900His (NM_017890.5); short protein forms L1875H, L1900H.
Identifiers: ClinVar variation 1051920 (VCV001051920.7), dbSNP rs2133932090, ClinGen allele CA371872965.

ClinVar aggregate classification (germline): Uncertain significance (1 of 4 stars; one submission).

Conditions:
Cohen syndrome (COH1). Also called: PEPPER SYNDROME; Cutis verticis gyrata, retinitis pigmentosa, and sensorineural deafness. Identifiers: Orphanet 193, MedGen C0265223, MONDO:0008999, OMIM 216550.

Submission:

Labcorp Genetics (formerly Invitae), Labcorp
Classification: Uncertain significance for Cohen syndrome. Last evaluated: 2020-08-11. Review status: criteria provided, single submitter. Criteria: Invitae Variant Classification Sherloc (09022015). Collection method: clinical testing. Allele origin: germline.
Comment: This sequence change replaces leucine with histidine at codon 1900 of the VPS13B protein (p.Leu1900His). The leucine residue is weakly conserved and there is a moderate physicochemical difference between leucine and histidine. This variant is not present in population databases (ExAC no frequency). This variant has not been reported in the literature in individuals with VPS13B-related conditions. Algorithms developed to predict the effect of missense changes on protein structure and function are either unavailable or do not agree on the potential impact of this missense change (SIFT: "Not Available"; PolyPhen-2: "Probably Damaging"; Align-GVGD: "Not Available"). In summary, the available evidence is currently insufficient to determine the role of this variant in disease. Therefore, it has been classified as a Variant of Uncertain Significance.